The following is an entry in ClinVar:

NM_014915.3(ANKRD26):c.4234G>C (p.Glu1412Gln)

Gene: ANKRD26 (ankyrin repeat domain containing 26; minus strand). Cytogenetic location: 10p12.1.
Variant type: single nucleotide variant.
Coding change: c.4234G>C on transcript NM_014915.3 (MANE Select); coding-DNA position 4234, G replaced by C.
Protein change: p.Glu1412Gln; replaces glutamic acid 1412 with glutamine.
Molecular consequence: missense variant.
Genome position (GRCh38, 1-based): chr10:27,017,774, C>G on the plus strand (G>C on the coding strand, the complement: ANKRD26 is on the minus strand). VCF-style: chr10-27017774-C-G. GRCh37 (hg19) VCF-style: chr10-27306703-C-G.
Other names: c.4231G>C, p.Glu1411Gln (NM_001256053.2); short protein forms E1411Q, E1412Q.
Identifiers: ClinVar variation 3869394 (VCV003869394.1).

ClinVar aggregate classification (germline): Uncertain significance (1 of 4 stars; one submission).

Conditions:
Inborn genetic diseases. Identifiers: MedGen C0950123, MeSH D030342.

gnomAD v4.1: 1 of 1,612,610 alleles (0.000062%); highest among the groups gnomAD compares: Non-Finnish European, 0.000085%; no homozygotes.

Submission:

Ambry Genetics
Classification: Uncertain significance for Inborn genetic diseases. Last evaluated: 2024-12-19. Review status: criteria provided, single submitter. Criteria: Ambry Variant Classification Scheme 2023. Collection method: clinical testing. Allele origin: germline.
Comment: The p.E1412Q variant (also known as c.4234G>C), located in coding exon 30 of the ANKRD26 gene, results from a G to C substitution at nucleotide position 4234. The glutamic acid at codon 1412 is replaced by glutamine, an amino acid with highly similar properties. This amino acid position is conserved. In addition, this alteration is predicted to be tolerated by in silico analysis. Based on the available evidence, the clinical significance of this variant remains unclear.